The following is an entry in ClinVar:

ClinVar aggregate classification (germline): Pathogenic (1 of 4 stars; one submission).

Conditions:
Cardiovascular phenotype. Identifiers: MedGen CN230736.
Hereditary cancer-predisposing syndrome. Also called: Neoplastic Syndromes, Hereditary; Tumor predisposition; Hereditary neoplastic syndrome; Hereditary Cancer Syndrome. Identifiers: Orphanet 140162, MedGen C0027672, MeSH D009386, MONDO:0015356.

Submission:

Ambry Genetics
Classification: Pathogenic for Cardiovascular phenotype; Hereditary cancer-predisposing syndrome. Last evaluated: 2026-09-08. Review status: criteria provided, single submitter. Criteria: Ambry Variant Classification Scheme 2023. Collection method: clinical testing. Allele origin: germline.
Comment: The p.E542* pathogenic mutation (also known as c.1624G>T), located in coding exon 15 of the LZTR1 gene, results from a G to T substitution at nucleotide position 1624. This changes the amino acid from a glutamic acid to a stop codon within coding exon 15. This variant is considered to be rare based on population cohorts in the Genome Aggregation Database (gnomAD). This alteration is expected to result in loss of function by premature protein truncation or nonsense-mediated mRNA decay. Loss-of-function variants in LZTR1 are related to an increased risk for schwannomas and autosomal recessive Noonan syndrome; however, such associations with autosomal dominant Noonan syndrome have not been observed (Piotrowski A et al. Nat Genet. 2014 Feb;46:182-7; Yamamoto GL et al. J Med Genet. 2015 Jun;52:413-21; Johnston JJ et al. Genet Med. 2018 10;20:1175-1185). Based on the supporting evidence, this variant is pathogenic for an increased risk of LZTR1-related schwannomatosis (SWN) and would be expected to cause autosomal recessive Noonan syndrome when present along with a second pathogenic or likely pathogenic variant on the other allele; however, the association of this variant with autosomal dominant Noonan syndrome is unlikely.

NM_006767.4(LZTR1):c.1624G>T (p.Glu542Ter)

Gene: LZTR1 (leucine zipper like post translational regulator 1; plus strand). Cytogenetic location: 22q11.21.
Variant type: single nucleotide variant.
Coding change: c.1624G>T on transcript NM_006767.4 (MANE Select); coding-DNA position 1624, G replaced by T.
Protein change: p.Glu542Ter; replaces glutamic acid 542 with a stop codon.
Molecular consequence: nonsense.
Genome position (GRCh38, 1-based): chr22:20,994,566, G>T. VCF-style: chr22-20994566-G-T. GRCh37 (hg19) VCF-style: chr22-21348855-G-T.
Other names: short protein forms E542*.
Identifiers: ClinVar variation 5023801 (VCV005023801.1).
Genomic context (GRCh38, chr22:20,994,566, plus strand): 5'-GCCCTGCCCTCCCCTCTCCGGCTCCCTGAGATTCGGGGGCTCTGGGGCGCAGGCCATGTG[G>T]AGGATGTGCTGCTCATCATGGATGTGTACAAACTGGCACTGAGCTTCCAGTTGTGCCGCC-3'